The following is an entry in ClinVar:

ClinVar aggregate classification (germline): Uncertain significance (1 of 4 stars; one submission).

Conditions:
Retinitis pigmentosa 23 (RP23). Identifiers: Orphanet 791, MedGen C1419610, MONDO:0010320, OMIM 300424.
Simpson-Golabi-Behmel syndrome type 2. Identifiers: Orphanet 79022, MedGen C1846175, MONDO:0010265, OMIM 300209.
Joubert syndrome 10 (JBTS10). Identifiers: Orphanet 2754, MedGen C2749019, MONDO:0010431, OMIM 300804.
Orofaciodigital syndrome I (OFD1). Also called: OFDS I; Oral-Facial-Digital Syndrome Type I; Papillon-Leage and Psaume Syndrome. Identifiers: Orphanet 2750, MedGen C1510460, MONDO:0010702, OMIM 311200.

Submission:

Juno Genomics, Hangzhou Juno Genomics, Inc
Classification: Uncertain significance for Retinitis pigmentosa 23; Joubert syndrome 10; Orofaciodigital syndrome I; Simpson-Golabi-Behmel syndrome type 2. Review status: criteria provided, single submitter. Criteria: ACMG Guidelines, 2015. Collection method: clinical testing. Allele origin: germline.
Comment: Absent from controls (or at extremely low frequency if recessive) in Genome Aggregation Database.;Multiple lines of computational evidence support a deleterious effect on the gene or gene product.

NM_003611.3(OFD1):c.266A>G (p.Tyr89Cys)

Gene: OFD1 (OFD1 centriole and centriolar satellite protein; plus strand). Cytogenetic location: Xp22.2.
Variant type: single nucleotide variant.
Coding change: c.266A>G on transcript NM_003611.3 (MANE Select); coding-DNA position 266, A replaced by G.
Protein change: p.Tyr89Cys; replaces tyrosine 89 with cysteine.
Molecular consequence: missense variant. On other transcripts: 5 prime UTR variant (1).
Genome position (GRCh38, 1-based): chrX:13,736,632, A>G. VCF-style: chrX-13736632-A-G. GRCh37 (hg19) VCF-style: chrX-13754751-A-G.
Other names: c.266A>G, p.Tyr89Cys (NM_001330209.2, NM_001440947.1, NM_001440948.1); c.-280A>G (NM_001330210.2); short protein forms Y89C.
Identifiers: ClinVar variation 5007507 (VCV005007507.2).